The following is an entry in ClinVar:

ClinVar aggregate classification (germline): Conflicting classifications of pathogenicity. Review status: criteria provided, conflicting classifications (1 of 4 stars). 2 submissions from 2 submitters: Pathogenic (1); Uncertain significance (1). Last evaluated 2024-12-11.

Conditions:
Cardiovascular phenotype. Identifiers: MedGen CN230736.
Hereditary cancer-predisposing syndrome. Also called: Tumor predisposition; Hereditary neoplastic syndrome; Neoplastic Syndromes, Hereditary; Hereditary Cancer Syndrome. Identifiers: Orphanet 140162, MedGen C0027672, MeSH D009386, MONDO:0015356.
Neurofibromatosis, type 1 (NF1). Also called: VON RECKLINGHAUSEN DISEASE; Peripheral type neurofibromatosis; Neurofibromatosis, type I; NEUROFIBROMATOSIS, TYPE I, SOMATIC. Identifiers: Orphanet 636, MedGen C0027831, MONDO:0018975, OMIM 162200. Disease mechanism: loss of function.

Submissions (2):

Labcorp Genetics (formerly Invitae), Labcorp
Classification: Pathogenic for Neurofibromatosis, type 1. Last evaluated: 2024-12-11. Review status: criteria provided, single submitter. Criteria: Invitae Variant Classification Sherloc (09022015). Collection method: clinical testing. Allele origin: germline.
Comment: This sequence change replaces leucine, which is neutral and non-polar, with proline, which is neutral and non-polar, at codon 1694 of the NF1 protein (p.Leu1694Pro). This variant is not present in population databases (gnomAD no frequency). This missense change has been observed in individual(s) with clinical features of neurofibromatosis, type 1 (PMID: 31717729). In at least one individual the variant was observed to be de novo. ClinVar contains an entry for this variant (Variation ID: 1378063). Invitae Evidence Modeling of protein sequence and biophysical properties (such as structural, functional, and spatial information, amino acid conservation, physicochemical variation, residue mobility, and thermodynamic stability) indicates that this missense variant is expected to disrupt NF1 protein function with a positive predictive value of 95%. For these reasons, this variant has been classified as Pathogenic.

Ambry Genetics
Classification: Uncertain significance for Cardiovascular phenotype; Hereditary cancer-predisposing syndrome. Last evaluated: 2020-01-31. Review status: criteria provided, single submitter. Criteria: Ambry Variant Classification Scheme 2023. Collection method: clinical testing. Allele origin: germline.
Comment: The p.L1694P variant (also known as c.5081T>C), located in coding exon 36 of the NF1 gene, results from a T to C substitution at nucleotide position 5081. The leucine at codon 1694 is replaced by proline, an amino acid with similar properties. This amino acid position is highly conserved in available vertebrate species. In addition, this alteration is predicted to be deleterious by in silico analysis. Since supporting evidence is limited at this time, the clinical significance of this alteration remains unclear.

Literature cited by the submitters: PubMed 31717729 (cited by Labcorp Genetics (formerly Invitae), Labcorp).

NM_001042492.3(NF1):c.5144T>C (p.Leu1715Pro)

Gene: NF1 (neurofibromin 1; plus strand). Cytogenetic location: 17q11.2.
Variant type: single nucleotide variant.
Coding change: c.5144T>C on transcript NM_001042492.3 (MANE Select); coding-DNA position 5144, T replaced by C.
Protein change: p.Leu1715Pro; replaces leucine 1715 with proline.
Molecular consequence: missense variant.
Genome position (GRCh38, 1-based): chr17:31,326,128, T>C. VCF-style: chr17-31326128-T-C. GRCh37 (hg19) VCF-style: chr17-29653146-T-C.
Other names: c.5081T>C, p.Leu1694Pro (NM_000267.4); short protein forms L1694P, L1715P.
Identifiers: ClinVar variation 1378063 (VCV001378063.10), dbSNP rs2151538677, ClinGen allele CA399007795.